The following is an entry in ClinVar:

NM_020937.4(FANCM):c.863A>G (p.Lys288Arg)

Gene: FANCM (FA complementation group M; plus strand). Cytogenetic location: 14q21.2.
Variant type: single nucleotide variant.
Coding change: c.863A>G on transcript NM_020937.4 (MANE Select); coding-DNA position 863, A replaced by G.
Protein change: p.Lys288Arg; replaces lysine 288 with arginine.
Molecular consequence: missense variant.
Genome position (GRCh38, 1-based): chr14:45,148,940, A>G. VCF-style: chr14-45148940-A-G. GRCh37 (hg19) VCF-style: chr14-45618143-A-G.
Other names: c.785A>G, p.Lys262Arg (NM_001308133.2); c.863A>G, p.Lys288Arg (NM_001308134.2); short protein forms K288R, K262R.
Identifiers: ClinVar variation 4022872 (VCV004022872.1).
Genomic context (GRCh38, chr14:45,148,940, plus strand): 5'-AGCTTCGTTCTGAAGATTCTCCAGATATTTTGACATATTCTCATGAAAGAAAAGTTGAAA[A>G]GCTTATTGTTCCGCTTGGTGAAGAACTTGCAGCCATCCAAAAGACCTATATCCAGGTAAA-3'
Protein context (NP_065988.1, residues 278-298): LTYSHERKVE[Lys288Arg]LIVPLGEELA

ClinVar aggregate classification (germline): Uncertain significance (1 of 4 stars; one submission).

Conditions:
Inborn genetic diseases. Identifiers: MedGen C0950123, MeSH D030342.

Submission:

Ambry Genetics
Classification: Uncertain significance for Inborn genetic diseases. Last evaluated: 2025-06-10. Review status: criteria provided, single submitter. Criteria: Ambry Variant Classification Scheme 2023. Collection method: clinical testing. Allele origin: germline.
Comment: The p.K288R variant (also known as c.863A>G), located in coding exon 4 of the FANCM gene, results from an A to G substitution at nucleotide position 863. The lysine at codon 288 is replaced by arginine, an amino acid with highly similar properties. This amino acid position is conserved. In addition, this alteration is predicted to be tolerated by in silico analysis. Based on the available evidence, the clinical significance of this variant remains unclear.